The following is an entry in ClinVar:

ClinVar aggregate classification (germline): Uncertain significance (1 of 4 stars; one submission).

Allele frequency attached by ClinVar (database versions not stated): gnomAD 0.00001; TOPMed 0.00001.
gnomAD v4.1: 1 of 1,613,528 alleles (0.000062%); highest among the groups gnomAD compares: Admixed American, 0.0017%; no homozygotes.

Submission:

Labcorp Genetics (formerly Invitae), Labcorp
Classification: Uncertain significance. Last evaluated: 2022-07-19. Review status: criteria provided, single submitter. Criteria: Invitae Variant Classification Sherloc (09022015). Collection method: clinical testing. Allele origin: germline.
Comment: This variant is not present in population databases (gnomAD no frequency). In summary, the available evidence is currently insufficient to determine the role of this variant in disease. Therefore, it has been classified as a Variant of Uncertain Significance. Algorithms developed to predict the effect of sequence changes on RNA splicing suggest that this variant may create or strengthen a splice site. Algorithms developed to predict the effect of missense changes on protein structure and function are either unavailable or do not agree on the potential impact of this missense change (SIFT: "Deleterious"; PolyPhen-2: "Probably Damaging"; Align-GVGD: "Class C0"). ClinVar contains an entry for this variant (Variation ID: 1485872). This variant has not been reported in the literature in individuals affected with DIP2C-related conditions. This sequence change replaces valine, which is neutral and non-polar, with methionine, which is neutral and non-polar, at codon 862 of the DIP2C protein (p.Val862Met).

NM_014974.3(DIP2C):c.2584G>A (p.Val862Met)

Gene: DIP2C (DIP2 acetate--CoA ligase C (putative); minus strand). Cytogenetic location: 10p15.3.
Variant type: single nucleotide variant.
Coding change: c.2584G>A on transcript NM_014974.3 (MANE Select); coding-DNA position 2584, G replaced by A.
Protein change: p.Val862Met; replaces valine 862 with methionine.
Molecular consequence: missense variant.
Genome position (GRCh38, 1-based): chr10:363,205, C>T on the plus strand (G>A on the coding strand, the complement: DIP2C is on the minus strand). VCF-style: chr10-363205-C-T. GRCh37 (hg19) VCF-style: chr10-409145-C-T.
Other names: short protein forms V862M.
Identifiers: ClinVar variation 1485872 (VCV001485872.8), dbSNP rs1049415191, ClinGen allele CA201932464.